The following is an entry in ClinVar:

NM_000492.4(CFTR):c.3391A>G (p.Ile1131Val)

Genes: CFTR (CF transmembrane conductance regulator; plus strand), CFTR-AS2 (CFTR antisense RNA 2; minus strand). Cytogenetic location: 7q31.2.
Variant type: single nucleotide variant.
Coding change: c.3391A>G on transcript NM_000492.4 (MANE Select); coding-DNA position 3391, A replaced by G.
Protein change: p.Ile1131Val; replaces isoleucine 1131 with valine.
Molecular consequence: missense variant.
Genome position (GRCh38, 1-based): chr7:117,614,636, A>G. VCF-style: chr7-117614636-A-G. GRCh37 (hg19) VCF-style: chr7-117254690-A-G.
Other names: short protein forms I1131V.
Identifiers: ClinVar variation 823713 (VCV000823713.10), dbSNP rs755472768, ClinGen allele CA4451453.

ClinVar aggregate classification (germline): Uncertain significance. Review status: criteria provided, multiple submitters, no conflicts (2 of 4 stars). 4 submissions from 4 submitters: Uncertain significance (3). 1 of the submissions does not count toward it. Last evaluated 2024-08-09.

Conditions:
CFTR-related disorder (CFTR-RD). Also called: CFTR-related condition; CFTR-related disorders. Identifiers: MedGen C5924204, MONDO:7770004.
Cystic fibrosis (CF). Also called: MUCOVISCIDOSIS. Identifiers: Orphanet 586, MedGen C0010674, MONDO:0009061, OMIM 219700. Disease mechanism: loss of function.

Allele frequency attached by ClinVar (database versions not stated): TOPMed 0.00001; gnomAD exomes 0.00002; ExAC 0.00001; gnomAD 0.00001.
gnomAD v4.1: 26 of 1,611,424 alleles (0.0016%); highest among the groups gnomAD compares: Non-Finnish European, 0.0021%; no homozygotes.

Submissions (4):

Women's Health and Genetics/Laboratory Corporation of America, LabCorp
Classification: Uncertain significance. Last evaluated: 2024-08-09. Review status: criteria provided, single submitter. Criteria: LabCorp Variant Classification Summary - May 2015. Collection method: clinical testing. Allele origin: germline.
Comment: Variant summary: CFTR c.3391A>G (p.Ile1131Val) results in a conservative amino acid change located in the ABC transporter type 1, transmembrane domain (IPR011527) of the encoded protein sequence. Four of five in-silico tools predict a damaging effect of the variant on protein function. The variant allele was found at a frequency of 1.6e-05 in 251086 control chromosomes. To our knowledge, no occurrence of c.3391A>G in individuals affected with Cystic Fibrosis has been reported. At least one publication reports experimental evidence evaluating an impact on protein function. The most pronounced variant effect resulted in approximately 28.77% of normal chloride channel conductance relative to wild type (e.g., Bihler_2024). The following publications have been ascertained in the context of this evaluation (PMID: 10746558, 15536480, 16251901, 25735457, 38388235). ClinVar contains an entry for this variant (Variation ID: 823713). Based on the evidence outlined above, the variant was classified as VUS-possibly pathogenic.

Ambry Genetics
Classification: Uncertain significance for Cystic fibrosis. Last evaluated: 2024-03-28. Review status: criteria provided, single submitter. Criteria: Ambry Variant Classification Scheme 2023. Collection method: clinical testing. Allele origin: germline.
Comment: The p.I1131V variant (also known as c.3391A>G), located in coding exon 21 of the CFTR gene, results from an A to G substitution at nucleotide position 3391. The isoleucine at codon 1131 is replaced by valine, an amino acid with highly similar properties. This variant was detected in a cohort of DNA samples from random individuals from Italy, France, and Spain (Bombieri C et al. Hum. Genet., 2000 Feb;106:172-8). This amino acid position is highly conserved in available vertebrate species. In addition, this alteration is predicted to be deleterious by in silico analysis. Since supporting evidence is limited at this time, the clinical significance of this alteration remains unclear.

Genome-Nilou Lab
Classification: Uncertain significance for Cystic fibrosis. Last evaluated: 2021-09-05. Review status: criteria provided, single submitter. Criteria: ACMG Guidelines, 2015. Collection method: clinical testing. Allele origin: germline. Affected: no.

Natera, Inc.
Classification: Uncertain significance for CFTR-related disorders. Last evaluated: 2018-12-24. Review status: no assertion criteria provided. Collection method: clinical testing. Allele origin: germline. Not counted in ClinVar's aggregate classification.

Literature cited by the submitters: PubMed 10746558 (cited by Women's Health and Genetics/Laboratory Corporation of America, LabCorp and Ambry Genetics); PubMed 15536480 (cited by Women's Health and Genetics/Laboratory Corporation of America, LabCorp); PubMed 16251901 (cited by Women's Health and Genetics/Laboratory Corporation of America, LabCorp); PubMed 25735457 (cited by Women's Health and Genetics/Laboratory Corporation of America, LabCorp); PubMed 38388235 (cited by Women's Health and Genetics/Laboratory Corporation of America, LabCorp).